The following is an entry in ClinVar:

NM_001308093.3(GATA4):c.620A>G (p.Asp207Gly)

Gene: GATA4 (GATA binding protein 4). Cytogenetic location: 8p23.1.
Variant type: single nucleotide variant.
Coding change: c.620A>G on transcript NM_001308093.3 (MANE Select); coding-DNA position 620, A replaced by G.
Protein change: p.Asp207Gly; replaces aspartic acid 207 with glycine.
Molecular consequence: missense variant. On other transcripts: 5 prime UTR variant (3).
Genome position (GRCh38, 1-based): chr8:11,748,919, A>G. VCF-style: chr8-11748919-A-G. GRCh37 (hg19) VCF-style: chr8-11606428-A-G.
Other names: c.-2A>G (NM_001308094.2, NM_001374273.1, NM_001374274.1); c.617A>G, p.Asp206Gly (NM_002052.5); short protein forms D206G, D207G.
Identifiers: ClinVar variation 3256869 (VCV003256869.1).

ClinVar aggregate classification (germline): Uncertain significance (1 of 4 stars; one submission).

Conditions:
Tetralogy of Fallot (TOF). Identifiers: Orphanet 3303, MedGen C0039685, MONDO:0008542, OMIM 187500, HP:0001636.

Submission:

MVZ Medizinische Genetik Mainz
Classification: Uncertain significance for Tetralogy of Fallot. Last evaluated: 2024-05-24. Review status: criteria provided, single submitter. Criteria: UK Practice Guidelines For Variant Classification V4 01 2020. Collection method: clinical testing. Allele origin: germline. Inheritance: Autosomal dominant inheritance. Affected: yes. Observed: 1 variant allele.
Comment: ACMG Criteria: PM2_SUP,PP3